The following is an entry in ClinVar:

NM_004646.4(NPHS1):c.2517G>A (p.Gln839=)

Gene: NPHS1 (NPHS1 adhesion molecule, nephrin; minus strand). Cytogenetic location: 19q13.12.
Variant type: single nucleotide variant.
Coding change: c.2517G>A on transcript NM_004646.4 (MANE Select); coding-DNA position 2517, G replaced by A.
Protein change: p.Gln839=; no amino-acid change (glutamine 839 retained).
Molecular consequence: synonymous variant.
Genome position (GRCh38, 1-based): chr19:35,842,270, C>T on the plus strand (G>A on the coding strand, the complement: NPHS1 is on the minus strand). VCF-style: chr19-35842270-C-T. GRCh37 (hg19) VCF-style: chr19-36333172-C-T.
Identifiers: ClinVar variation 1712392 (VCV001712392.9), dbSNP rs141886345, ClinGen allele CA9390095.

ClinVar aggregate classification (germline): Conflicting classifications of pathogenicity. Review status: criteria provided, conflicting classifications (1 of 4 stars). 3 submissions from 3 submitters: Uncertain significance (1); Likely benign (1). 1 of the submissions does not count toward it. Last evaluated 2026-01-20.

Conditions:
NPHS1-related disorder. Also called: NPHS1-related condition.
Focal segmental glomerulosclerosis (FSGS). Also called: Glomerulosclerosis, focal; Focal sclerosis with hyalinosis. Identifiers: MedGen C0017668, MONDO:0100313, HP:0000097. Disease mechanism: loss of function.

Allele frequency attached by ClinVar (database versions not stated): gnomAD 0.00005; TOPMed 0.00009; gnomAD exomes 0.00001; ExAC 0.00003; ESP Exome Variant Server 0.00023.
gnomAD v4.1: 27 of 1,612,608 alleles (0.0017%); highest among the groups gnomAD compares: Middle Eastern, 0.066%; no homozygotes.

Submissions (3):

Labcorp Genetics (formerly Invitae), Labcorp
Classification: Likely benign. Last evaluated: 2026-01-20. Review status: criteria provided, single submitter. Criteria: Invitae Variant Classification Sherloc (09022015). Collection method: clinical testing. Allele origin: germline.

Genome Diagnostics Laboratory, The Hospital for Sick Children
Classification: Uncertain significance for Focal segmental glomerulosclerosis. Last evaluated: 2021-03-22. Review status: criteria provided, single submitter. Criteria: ACMG Guidelines, 2015. Collection method: clinical testing. Allele origin: germline.

PreventionGenetics, part of Exact Sciences
Classification: Likely benign for NPHS1-related condition. Last evaluated: 2020-10-14. Review status: no assertion criteria provided. Collection method: clinical testing. Allele origin: germline. Not counted in ClinVar's aggregate classification.
Comment: This variant is classified as likely benign based on ACMG/AMP sequence variant interpretation guidelines (Richards et al. 2015 PMID: 25741868, with internal and published modifications).